The following is an entry in ClinVar:

ClinVar aggregate classification (germline): Uncertain significance (1 of 4 stars; one submission).

gnomAD v4.1: 2 of 1,614,212 alleles (0.00012%); highest among the groups gnomAD compares: Non-Finnish European, 0.00017%; no homozygotes.

Submission:

Labcorp Genetics (formerly Invitae), Labcorp
Classification: Uncertain significance. Last evaluated: 2024-08-15. Review status: criteria provided, single submitter. Criteria: Invitae Variant Classification Sherloc (09022015). Collection method: clinical testing. Allele origin: germline.
Comment: This sequence change replaces isoleucine, which is neutral and non-polar, with valine, which is neutral and non-polar, at codon 397 of the NEFH protein (p.Ile397Val). This variant is present in population databases (rs758456135, gnomAD 0.0009%). This missense change has been observed in individual(s) with NEFH-related conditions (Invitae). Invitae Evidence Modeling of protein sequence and biophysical properties (such as structural, functional, and spatial information, amino acid conservation, physicochemical variation, residue mobility, and thermodynamic stability) indicates that this missense variant is not expected to disrupt NEFH protein function with a negative predictive value of 95%. In summary, the available evidence is currently insufficient to determine the role of this variant in disease. Therefore, it has been classified as a Variant of Uncertain Significance.

NM_021076.4(NEFH):c.1189A>G (p.Ile397Val)

Gene: NEFH (neurofilament heavy chain; plus strand). Cytogenetic location: 22q12.2.
Variant type: single nucleotide variant.
Coding change: c.1189A>G on transcript NM_021076.4 (MANE Select); coding-DNA position 1189, A replaced by G.
Protein change: p.Ile397Val; replaces isoleucine 397 with valine.
Molecular consequence: missense variant.
Genome position (GRCh38, 1-based): chr22:29,485,828, A>G. VCF-style: chr22-29485828-A-G. GRCh37 (hg19) VCF-style: chr22-29881817-A-G.
Other names: short protein forms I397V.
Identifiers: ClinVar variation 3710802 (VCV003710802.2).